The following is an entry in ClinVar:

ClinVar aggregate classification (germline): Conflicting classifications of pathogenicity. Review status: criteria provided, conflicting classifications (1 of 4 stars). 2 submissions from 2 submitters: Uncertain significance (1); Likely benign (1). Last evaluated 2024-05-20.

Conditions:
Inborn genetic diseases. Identifiers: MedGen C0950123, MeSH D030342.

Allele frequency attached by ClinVar (database versions not stated): TOPMed below 0.00001; gnomAD 0.00001; ExAC 0.00002; gnomAD exomes 0.00002; 1000 Genomes Project 0.00020; 1000 Genomes Project 30x 0.00031.

Submissions (2):

GeneDx
Classification: Likely benign. Last evaluated: 2024-05-20. Review status: criteria provided, single submitter. Criteria: GeneDx Variant Classification Process June 2021. Collection method: clinical testing. Allele origin: germline. Affected: yes.
Comment: See Variant Classification Assertion Criteria.

Ambry Genetics
Classification: Uncertain significance for Inborn genetic diseases. Last evaluated: 2023-09-13. Review status: criteria provided, single submitter. Criteria: Ambry Variant Classification Scheme 2023. Collection method: clinical testing. Allele origin: germline.

NM_031418.4(ANO3):c.1112G>A (p.Arg371His)

Gene: ANO3 (anoctamin 3; plus strand). Cytogenetic location: 11p14.2.
Variant type: single nucleotide variant.
Coding change: c.1112G>A on transcript NM_031418.4 (MANE Select); coding-DNA position 1112, G replaced by A.
Protein change: p.Arg371His; replaces arginine 371 with histidine.
Molecular consequence: missense variant.
Genome position (GRCh38, 1-based): chr11:26,542,026, G>A. VCF-style: chr11-26542026-G-A. GRCh37 (hg19) VCF-style: chr11-26563573-G-A.
Other names: c.1295G>A, p.Arg432His (NM_001313726.2); c.674G>A, p.Arg225His (NM_001313727.2); short protein forms R225H, R371H, R432H.
Identifiers: ClinVar variation 1695815 (VCV001695815.5), dbSNP rs187173978, ClinGen allele CA5925789.